The following is an entry in ClinVar:

NM_030962.4(SBF2):c.5320-209A>G

Genes: SBF2 (SET binding factor 2; minus strand), SBF2-AS1 (SBF2 antisense RNA 1; plus strand), LOC105369149 (uncharacterized LOC105369149; plus strand). Cytogenetic location: 11p15.4.
Variant type: single nucleotide variant.
Coding change: c.5320-209A>G on transcript NM_030962.4 (MANE Select); 209 bases into the intron before coding-DNA position 5320, A replaced by G.
Molecular consequence: intron variant.
Genome position (GRCh38, 1-based): chr11:9,781,847, T>C on the plus strand (A>G on the coding strand, the complement: SBF2 is on the minus strand). VCF-style: chr11-9781847-T-C. GRCh37 (hg19) VCF-style: chr11-9803394-T-C.
Other names: c.5191-209A>G (NM_001386342.1); c.5416-209A>G (NM_001386339.1).
Identifiers: ClinVar variation 677040 (VCV000677040.1), dbSNP rs117688622, ClinGen allele CA15710604.

ClinVar aggregate classification (germline): Benign (1 of 4 stars; one submission).

Allele frequency attached by ClinVar (database versions not stated): 1000 Genomes Project 30x 0.01452; 1000 Genomes Project 0.01498; TOPMed 0.02232; gnomAD 0.02830 and 0.02924.
gnomAD v4.1: 4,307 of 152,288 alleles (2.8%); highest among the groups gnomAD compares: Middle Eastern, 6.5%; 116 homozygotes.

Submission:

GeneDx
Classification: Benign. Last evaluated: 2018-06-14. Review status: criteria provided, single submitter. Criteria: GeneDx Variant Classification (06012015). Collection method: clinical testing. Allele origin: germline. Affected: yes.
Comment: This variant is considered likely benign or benign based on one or more of the following criteria: it is a conservative change, it occurs at a poorly conserved position in the protein, it is predicted to be benign by multiple in silico algorithms, and/or has population frequency not consistent with disease.